The following is an entry in ClinVar:

ClinVar aggregate classification (germline): Likely pathogenic (1 of 4 stars; one submission).

Submission:

GeneDx
Classification: Likely pathogenic. Last evaluated: 2016-10-31. Review status: criteria provided, single submitter. Criteria: GeneDx Variant Classification (06012015). Collection method: clinical testing. Allele origin: germline. Affected: yes.
Comment: A novel c.2897_2910del14 variant that is likely pathogenic has been identified in the SCN1A gene. The c.2897_2910del14 variant has not been published as a pathogenic variant, nor has it been reported as a benign variant to our knowledge. The c.2897_2910del14 variant causes a frameshift starting with codon Alanine 966, changes this amino acid to a Glycine residue and creates a premature Stop codon at position 26 of the new reading frame, denoted p.Ala966GlyfsX26. This variant is predicted to cause loss of normal protein function either through protein truncation or nonsense-mediated mRNA decay. Furthermore, it was not observed in approximately 6,500 individuals of European and African American ancestry in the NHLBI Exome Sequencing Project, indicating it is not a common benign variant in these populations. Therefore, this variant is likely pathogenic; however, the possibility that it is benign cannot be excluded.

NM_001165963.4(SCN1A):c.2897_2910del (p.Ala966fs)

Gene: SCN1A (sodium voltage-gated channel alpha subunit 1; minus strand). Cytogenetic location: 2q24.3.
Variant type: Deletion.
Coding change: c.2897_2910del on transcript NM_001165963.4 (MANE Select); coding-DNA positions 2897 to 2910, 14 bases deleted (CCATGTGCCTTACT).
Protein change: p.Ala966fs; shifts the reading frame from alanine 966.
Molecular consequence: frameshift variant. On other transcripts: non-coding transcript variant (1).
Genome position (GRCh38, 1-based): chr2:166,037,812-166,037,825, AGTAAGGCACATGG deleted on the plus strand (CCATGTGCCTTACT on the coding strand, the reverse complement: SCN1A is on the minus strand). VCF-style (leftmost placement, unchanged base first): chr2-166037811-CAGTAAGGCACATGG-C. GRCh37 (hg19) VCF-style: chr2-166894321-CAGTAAGGCACATGG-C.
Other names: c.2813_2826del, p.Ala938fs (NM_001165964.3, NM_001353957.2, NM_001353958.2); c.2897_2910del, p.Ala966fs (NM_001202435.3, NM_001353948.2); c.2864_2877del, p.Ala955fs (NM_001353949.2, NM_001353950.2, NM_001353951.2 and 2 more transcripts); c.2861_2874del, p.Ala954fs (NM_001353954.2, NM_001353955.2); c.2810_2823del, p.Ala937fs (NM_001353960.2); c.455_468del, p.Ala152fs (NM_001353961.2); short protein forms A937fs, A954fs, A955fs, A966fs, A152fs, A938fs.
Identifiers: ClinVar variation 422622 (VCV000422622.2), dbSNP rs1553541066, ClinGen allele CA16617301.